The following is an entry in ClinVar:

NM_020779.4(WDR35):c.1072G>A (p.Val358Ile)

Gene: WDR35 (WD repeat domain 35; minus strand). Cytogenetic location: 2p24.1.
Variant type: single nucleotide variant.
Coding change: c.1072G>A on transcript NM_020779.4 (MANE Select); coding-DNA position 1072, G replaced by A.
Protein change: p.Val358Ile; replaces valine 358 with isoleucine.
Molecular consequence: missense variant.
Genome position (GRCh38, 1-based): chr2:19,966,846, C>T on the plus strand (G>A on the coding strand, the complement: WDR35 is on the minus strand). VCF-style: chr2-19966846-C-T. GRCh37 (hg19) VCF-style: chr2-20166607-C-T.
Other names: c.1072G>A, p.Val358Ile (NM_001006657.2); short protein forms V358I.
Identifiers: ClinVar variation 497213 (VCV000497213.20), dbSNP rs151227688, ClinGen allele CA1543350.

ClinVar aggregate classification (germline): Conflicting classifications of pathogenicity. Review status: criteria provided, conflicting classifications (1 of 4 stars). 6 submissions from 5 submitters: Uncertain significance (4); Likely benign (1). 1 of the submissions does not count toward it. Last evaluated 2026-01-15.

Conditions:
Cranioectodermal dysplasia 2 (CED2). Identifiers: Orphanet 1515, MedGen C3150874, MONDO:0013323, OMIM 613610.
WDR35-related disorder. Also called: WDR35-related condition; WDR35-related disorders. Identifiers: MedGen CN239419.
Short-rib thoracic dysplasia 7 with or without polydactyly (SRTD7). Also called: Short rib polydactyly syndrome 5; SHORT-RIB THORACIC DYSPLASIA 7 WITH POLYDACTYLY. Identifiers: Orphanet 498497, Orphanet 93271, MedGen C3279792, MONDO:0013569, OMIM 614091.

Allele frequency attached by ClinVar (database versions not stated): gnomAD exomes 0.00005 and 0.00012; ExAC 0.00014; gnomAD 0.00048 and 0.00051; TOPMed 0.00050; ESP Exome Variant Server 0.00069.
gnomAD v4.1: 146 of 1,613,798 alleles (0.009%); highest among the groups gnomAD compares: African/African-American, 0.18%; 1 homozygote.

Submissions (6):

Labcorp Genetics (formerly Invitae), Labcorp
Classification: Likely benign for Cranioectodermal dysplasia 2; Short-rib thoracic dysplasia 7 with or without polydactyly. Last evaluated: 2026-01-15. Review status: criteria provided, single submitter. Criteria: Invitae Variant Classification Sherloc (09022015). Collection method: clinical testing. Allele origin: germline.

GeneDx
Classification: Uncertain significance. Last evaluated: 2023-08-08. Review status: criteria provided, single submitter. Criteria: GeneDx Variant Classification Process June 2021. Collection method: clinical testing. Allele origin: germline. Affected: yes.
Comment: In silico analysis supports that this missense variant does not alter protein structure/function; Has not been previously published as pathogenic or benign to our knowledge

Illumina Laboratory Services, Illumina
Classification: Uncertain significance for Cranioectodermal dysplasia 2. Last evaluated: 2018-01-13. Review status: criteria provided, single submitter. Criteria: ICSL Variant Classification Criteria 13 December 2019. Collection method: clinical testing. Allele origin: germline.

Illumina Laboratory Services, Illumina
Classification: Uncertain significance for Short-rib thoracic dysplasia 7 with or without polydactyly. Last evaluated: 2018-01-13. Review status: criteria provided, single submitter. Criteria: ICSL Variant Classification Criteria 13 December 2019. Collection method: clinical testing. Allele origin: germline.

Eurofins Ntd Llc (ga)
Classification: Uncertain significance. Last evaluated: 2016-10-03. Review status: criteria provided, single submitter. Criteria: EGL Classification Definitions 2015. Collection method: clinical testing. Allele origin: germline. Observed: 1 variant allele, 1 heterozygote.

PreventionGenetics, part of Exact Sciences
Classification: Likely benign for WDR35-related condition. Last evaluated: 2022-09-07. Review status: no assertion criteria provided. Collection method: clinical testing. Allele origin: germline. Not counted in ClinVar's aggregate classification.
Comment: This variant is classified as likely benign based on ACMG/AMP sequence variant interpretation guidelines (Richards et al. 2015 PMID: 25741868, with internal and published modifications).